The following is an entry in ClinVar:

NM_000428.3(LTBP2):c.1171C>T (p.Pro391Ser)

Gene: LTBP2 (latent transforming growth factor beta binding protein 2; minus strand). Cytogenetic location: 14q24.3.
Variant type: single nucleotide variant.
Coding change: c.1171C>T on transcript NM_000428.3 (MANE Select); coding-DNA position 1171, C replaced by T.
Protein change: p.Pro391Ser; replaces proline 391 with serine.
Molecular consequence: missense variant.
Genome position (GRCh38, 1-based): chr14:74,552,913, G>A on the plus strand (C>T on the coding strand, the complement: LTBP2 is on the minus strand). VCF-style: chr14-74552913-G-A. GRCh37 (hg19) VCF-style: chr14-75019616-G-A.
Other names: short protein forms P391S.
Identifiers: ClinVar variation 2457163 (VCV002457163.3), dbSNP rs372408796, ClinGen allele CA7269973.

ClinVar aggregate classification (germline): Uncertain significance. Review status: criteria provided, multiple submitters, no conflicts (2 of 4 stars). 2 submissions from 2 submitters: Uncertain significance (2). Last evaluated 2025-06-11.

Conditions:
Inborn genetic diseases. Identifiers: MedGen C0950123, MeSH D030342.

Allele frequency attached by ClinVar (database versions not stated): ExAC 0.00001.
gnomAD v4.1: 4 of 1,613,490 alleles (0.00025%); highest among the groups gnomAD compares: South Asian, 0.0022%; no homozygotes.

Submissions (2):

Labcorp Genetics (formerly Invitae), Labcorp
Classification: Uncertain significance. Last evaluated: 2025-06-11. Review status: criteria provided, single submitter. Criteria: Invitae Variant Classification Sherloc (09022015). Collection method: clinical testing. Allele origin: germline.
Comment: This sequence change replaces proline, which is neutral and non-polar, with serine, which is neutral and polar, at codon 391 of the LTBP2 protein (p.Pro391Ser). This variant is present in population databases (rs372408796, gnomAD 0.003%). This variant has not been reported in the literature in individuals affected with LTBP2-related conditions. ClinVar contains an entry for this variant (Variation ID: 2457163). An algorithm developed to predict the effect of missense changes on protein structure and function (PolyPhen-2) suggests that this variant is likely to be disruptive. In summary, the available evidence is currently insufficient to determine the role of this variant in disease. Therefore, it has been classified as a Variant of Uncertain Significance.

Ambry Genetics
Classification: Uncertain significance for Inborn genetic diseases. Last evaluated: 2023-02-07. Review status: criteria provided, single submitter. Criteria: Ambry Variant Classification Scheme 2023. Collection method: clinical testing. Allele origin: germline.